The following is an entry in ClinVar:

ClinVar aggregate classification (germline): Uncertain significance. Review status: criteria provided, multiple submitters, no conflicts (2 of 4 stars). 2 submissions from 2 submitters: Uncertain significance (2). Last evaluated 2022-05-12.

Conditions:
Left ventricular noncompaction 1 (LVNC1). Also called: LEFT VENTRICULAR NONCOMPACTION 1 WITH OR WITHOUT CONGENITAL HEART DEFECTS. Identifiers: Orphanet 54260, MedGen C1858725, MONDO:0011403, OMIM 604169.

Allele frequency attached by ClinVar (database versions not stated): gnomAD exomes below 0.00001; gnomAD 0.00001; TOPMed 0.00001.
gnomAD v4.1: 2 of 1,613,880 alleles (0.00012%); highest among the groups gnomAD compares: African/African-American, 0.0027%; no homozygotes.

Submissions (2):

Labcorp Genetics (formerly Invitae), Labcorp
Classification: Uncertain significance for Left ventricular noncompaction 1. Last evaluated: 2022-05-12. Review status: criteria provided, single submitter. Criteria: Invitae Variant Classification Sherloc (09022015). Collection method: clinical testing. Allele origin: germline.
Comment: Algorithms developed to predict the effect of missense changes on protein structure and function (SIFT, PolyPhen-2, Align-GVGD) all suggest that this variant is likely to be tolerated. ClinVar contains an entry for this variant (Variation ID: 546432). This variant has not been reported in the literature in individuals affected with DTNA-related conditions. This variant is not present in population databases (gnomAD no frequency). This sequence change replaces proline, which is neutral and non-polar, with leucine, which is neutral and non-polar, at codon 705 of the DTNA protein (p.Pro705Leu). In summary, the available evidence is currently insufficient to determine the role of this variant in disease. Therefore, it has been classified as a Variant of Uncertain Significance.

GeneDx
Classification: Uncertain significance. Last evaluated: 2018-05-23. Review status: criteria provided, single submitter. Criteria: GeneDx Variant Classification (06012015). Collection method: clinical testing. Allele origin: germline. Affected: yes.
Comment: The P705L variant of uncertain significance in the DTNA gene has not been published as pathogenic or been reported as benign to our knowledge. This variant is not observed in large population cohorts (Lek et al., 2016). The P705L variant is a semi-conservative amino acid substitution, which may impact secondary protein structure as these residues differ in some properties. However, in-silico analyses, including protein predictors and evolutionary conservation, support that this variant does not alter protein structure/function.Therefore, based on the currently available information, it is unclear whether this variant is pathogenic or benign.

NM_001386795.1(DTNA):c.2195C>T (p.Pro732Leu)

Gene: DTNA (dystrobrevin alpha; plus strand). Cytogenetic location: 18q12.1.
Variant type: single nucleotide variant.
Coding change: c.2195C>T on transcript NM_001386795.1 (MANE Select); coding-DNA position 2195, C replaced by T.
Protein change: p.Pro732Leu; replaces proline 732 with leucine.
Molecular consequence: missense variant.
Genome position (GRCh38, 1-based): chr18:34,882,101, C>T. VCF-style: chr18-34882101-C-T. GRCh37 (hg19) VCF-style: chr18-32462065-C-T.
Other names: c.2114C>T, p.Pro705Leu (NM_001390.5); c.1943C>T, p.Pro648Leu (NM_032975.4, NM_001386761.1); c.1058C>T, p.Pro353Leu (NM_032980.4); c.1934C>T, p.Pro645Leu (NM_001198938.2, NM_001198940.2, NM_001386753.1 and 5 more transcripts); c.1955C>T, p.Pro652Leu (NM_001198939.2); c.1241C>T, p.Pro414Leu (NM_001198942.1); c.1184C>T, p.Pro395Leu (NM_001198943.1); c.1070C>T, p.Pro357Leu (NM_001198944.1); and 5 more; short protein forms P648L, P705L, P395L, P652L, P353L, P645L, P357L, P414L.
Identifiers: ClinVar variation 546432 (VCV000546432.9), dbSNP rs1456993704, ClinGen allele CA402168342.